The following is an entry in ClinVar:

NM_007194.4(CHEK2):c.368_382del (p.Tyr123_Pro128delinsSer)

Gene: CHEK2 (checkpoint kinase 2; minus strand). Cytogenetic location: 22q12.1.
Variant type: Deletion.
Coding change: c.368_382del on transcript NM_007194.4 (MANE Select); coding-DNA positions 368 to 382, 15 bases deleted (ATTGCTTTGATGAAC).
Protein change: p.Tyr123_Pro128delinsSer.
Molecular consequence: inframe indel.
Genome position (GRCh38, 1-based): chr22:28,725,305-28,725,319, GTTCATCAAAGCAAT deleted on the plus strand (ATTGCTTTGATGAAC on the coding strand, the reverse complement: CHEK2 is on the minus strand). VCF-style (leftmost placement, unchanged base first): chr22-28725304-GGTTCATCAAAGCAAT-G. GRCh37 (hg19) VCF-style: chr22-29121292-GGTTCATCAAAGCAAT-G.
Other names: c.497_511delATTGCTTTGATGAAC, p.Tyr166_Pro171delinsSer (NM_001005735.3); c.-410_-396delATTGCTTTGATGAAC (NM_001257387.3); c.368_382delATTGCTTTGATGAAC, p.Tyr123_Pro128delinsSer (NM_001349956.3, NM_145862.3).
Identifiers: ClinVar variation 1439295 (VCV001439295.7), dbSNP rs2146069470, ClinGen allele CA2573158051.
Genomic context (GRCh38, chr22:28,725,304, plus strand): 5'-CTGAAAATCCGAAAGTGTTTCTTGCTGTATGTTCGGTATTTATCTGTTCTTTTCAGCAGT[GGTTCATCAAAGCAAT>G]ATTCACAGCTTTTGTCCCTCCCAAACCAGTAGTTGTCATTCACACATTCTGTAATATAAA-3'

ClinVar aggregate classification (germline): Uncertain significance (1 of 4 stars; one submission).

Conditions:
Familial cancer of breast. Also called: hereditary breast carcinoma; BREAST CANCER, FAMILIAL; Hereditary breast cancer. Identifiers: Orphanet 227535, MedGen C0346153, MONDO:0016419, OMIM 114480. Disease mechanism: loss of function.

Submission:

Labcorp Genetics (formerly Invitae), Labcorp
Classification: Uncertain significance for Familial cancer of breast. Last evaluated: 2022-08-16. Review status: criteria provided, single submitter. Criteria: Invitae Variant Classification Sherloc (09022015). Collection method: clinical testing. Allele origin: germline.
Comment: In summary, the available evidence is currently insufficient to determine the role of this variant in disease. Therefore, it has been classified as a Variant of Uncertain Significance. Experimental studies and prediction algorithms are not available or were not evaluated, and the functional significance of this variant is currently unknown. ClinVar contains an entry for this variant (Variation ID: 1439295). This variant has not been reported in the literature in individuals affected with CHEK2-related conditions. This variant is not present in population databases (gnomAD no frequency). This variant, c.368_382del, is a complex sequence change that results in the deletion of 6 and insertion of 1 amino acid(s) in the CHEK2 protein (p.Tyr123_Pro128delinsSer).